The following is an entry in ClinVar:

ClinVar aggregate classification (germline): Conflicting classifications of pathogenicity. Review status: criteria provided, conflicting classifications (1 of 4 stars). 7 submissions from 3 submitters: Uncertain significance (3); Benign (2); Likely benign (2). Last evaluated 2026-03-12.

Conditions:
Cardiovascular phenotype. Identifiers: MedGen CN230736.
Tibial muscular dystrophy (TMD). Also called: Tibial muscular dystrophy, tardive; UDD MYOPATHY; Udd Distal Myopathy – Tibial Muscular Dystrophy. Identifiers: Orphanet 609, MedGen C1838244, MONDO:0010870, OMIM 600334.
Autosomal recessive limb-girdle muscular dystrophy type 2J (LGMDR10). Also called: Limb-girdle muscular dystrophy, type 2J; MUSCULAR DYSTROPHY, LIMB-GIRDLE, AUTOSOMAL RECESSIVE 10. Identifiers: Orphanet 140922, MedGen C1837342, MONDO:0012127, OMIM 608807.
Dilated cardiomyopathy 1G (CMD1G). Identifiers: Orphanet 154, MedGen C1858763, MONDO:0011400, OMIM 604145.
Early-onset myopathy with fatal cardiomyopathy (CMYO5). Also called: Salih Myopathy; CONGENITAL MYOPATHY 5 WITH CARDIOMYOPATHY. Identifiers: Orphanet 289377, MedGen C2673677, MONDO:0012714, OMIM 611705. Disease mechanism: loss of function.
Myopathy, myofibrillar, 9, with early respiratory failure (MFM9). Also called: Hereditary myopathy with early respiratory failure; MYOPATHY, PROXIMAL, WITH EARLY RESPIRATORY MUSCLE INVOLVEMENT; EDSTROM MYOPATHY; Myopathy, distal, with early respiratory failure, autosomal dominant. Identifiers: Orphanet 178464, Orphanet 34521, MedGen C1863599, MONDO:0011362, OMIM 603689.

Allele frequency attached by ClinVar (database versions not stated): ExAC 0.00002; gnomAD exomes 0.00002 and 0.00006; TOPMed 0.00002.
gnomAD v4.1: 14 of 1,614,052 alleles (0.00087%); highest among the groups gnomAD compares: East Asian, 0.027%; no homozygotes.

Submissions (7):

Ambry Genetics
Classification: Likely benign for Cardiovascular phenotype. Last evaluated: 2026-03-12. Review status: criteria provided, single submitter. Criteria: Ambry Variant Classification Scheme 2023. Collection method: clinical testing. Allele origin: germline.

Labcorp Genetics (formerly Invitae), Labcorp
Classification: Likely benign for Dilated cardiomyopathy 1G; Autosomal recessive limb-girdle muscular dystrophy type 2J. Last evaluated: 2025-11-09. Review status: criteria provided, single submitter. Criteria: Invitae Variant Classification Sherloc (09022015). Collection method: clinical testing. Allele origin: germline.

Illumina Laboratory Services, Illumina
Classification: Benign for Myopathy, myofibrillar, 9, with early respiratory failure. Last evaluated: 2018-01-12. Review status: criteria provided, single submitter. Criteria: ICSL Variant Classification Criteria 13 December 2019. Collection method: clinical testing. Allele origin: germline.
Comment: This variant was observed in the ICSL laboratory as part of a predisposition screen in an ostensibly healthy population. It had not been previously curated by ICSL or reported in the Human Gene Mutation Database (HGMD: prior to June 1st, 2018), and was therefore a candidate for classification through an automated scoring system. Utilizing variant allele frequency, disease prevalence and penetrance estimates, and inheritance mode, an automated score was calculated to assess if this variant is too frequent to cause the disease. Based on the score and internal cut-off values, a variant classified as benign is not then subjected to further curation. The score for this variant resulted in a classification of benign for this disease.

Illumina Laboratory Services, Illumina
Classification: Uncertain significance for Autosomal recessive limb-girdle muscular dystrophy type 2J. Last evaluated: 2018-01-12. Review status: criteria provided, single submitter. Criteria: ICSL Variant Classification Criteria 13 December 2019. Collection method: clinical testing. Allele origin: germline.

Illumina Laboratory Services, Illumina
Classification: Benign for Tibial muscular dystrophy. Last evaluated: 2018-01-12. Review status: criteria provided, single submitter. Criteria: ICSL Variant Classification Criteria 13 December 2019. Collection method: clinical testing. Allele origin: germline.
Comment: the same text as in the submission from Illumina Laboratory Services, Illumina above.

Illumina Laboratory Services, Illumina
Classification: Uncertain significance for Dilated cardiomyopathy 1G. Last evaluated: 2018-01-12. Review status: criteria provided, single submitter. Criteria: ICSL Variant Classification Criteria 13 December 2019. Collection method: clinical testing. Allele origin: germline.

Illumina Laboratory Services, Illumina
Classification: Uncertain significance for Early-onset myopathy with fatal cardiomyopathy. Last evaluated: 2018-01-12. Review status: criteria provided, single submitter. Criteria: ICSL Variant Classification Criteria 13 December 2019. Collection method: clinical testing. Allele origin: germline.

NM_001267550.2(TTN):c.9195G>A (p.Lys3065=)

Gene: TTN (titin; minus strand). Cytogenetic location: 2q31.2.
Variant type: single nucleotide variant.
Coding change: c.9195G>A on transcript NM_001267550.2 (MANE Select); coding-DNA position 9195, G replaced by A.
Protein change: p.Lys3065=; no amino-acid change (lysine 3065 retained).
Molecular consequence: synonymous variant.
Genome position (GRCh38, 1-based): chr2:178,768,124, C>T on the plus strand (G>A on the coding strand, the complement: TTN is on the minus strand). VCF-style: chr2-178768124-C-T. GRCh37 (hg19) VCF-style: chr2-179632851-C-T.
Other names: c.9195G>A, p.Lys3065= (NM_133378.4, NM_001256850.1, NM_133379.5); c.9057G>A, p.Lys3019= (NM_003319.4, NM_133432.3, NM_133437.4).
Identifiers: ClinVar variation 706771 (VCV000706771.15), dbSNP rs780650145, ClinGen allele CA2004408.